The following is an entry in ClinVar:

NM_001370100.5(ZMYND11):c.482A>C (p.Tyr161Ser)

Gene: ZMYND11 (zinc finger MYND-type containing 11; plus strand). Cytogenetic location: 10p15.3.
Variant type: single nucleotide variant.
Coding change: c.482A>C on transcript NM_001370100.5 (MANE Select); coding-DNA position 482, A replaced by C.
Protein change: p.Tyr161Ser; replaces tyrosine 161 with serine.
Molecular consequence: missense variant. On other transcripts: non-coding transcript variant (1).
Genome position (GRCh38, 1-based): chr10:236,881, A>C. VCF-style: chr10-236881-A-C. GRCh37 (hg19) VCF-style: chr10-282821-A-C.
Other names: c.320A>C, p.Tyr107Ser (NM_001202464.3, NM_001202465.3, NM_001202466.3 and 11 more transcripts); c.482A>C, p.Tyr161Ser (NM_001202468.1, NM_001370097.3, NM_001370098.2 and 10 more transcripts); c.431A>C, p.Tyr144Ser (NM_001330057.3, NM_001370112.2); c.416A>C, p.Tyr139Ser (NM_001370116.2); c.362A>C, p.Tyr121Ser (NM_001370118.2); c.254A>C, p.Tyr85Ser (NM_001370120.2); c.200A>C, p.Tyr67Ser (NM_001370121.2); c.269A>C, p.Tyr90Ser (NM_001370123.2); and 1 more; short protein forms Y107S, Y121S, Y139S, Y144S, Y161S, Y4S, Y67S, Y85S.
Identifiers: ClinVar variation 3368228 (VCV003368228.1).

ClinVar aggregate classification (germline): Uncertain significance (1 of 4 stars; one submission).

Submission:

GeneDx
Classification: Uncertain significance. Last evaluated: 2024-01-22. Review status: criteria provided, single submitter. Criteria: GeneDx Variant Classification Process June 2021. Collection method: clinical testing. Allele origin: germline. Affected: yes.
Comment: Not observed at significant frequency in large population cohorts (gnomAD); In silico analysis supports that this missense variant has a deleterious effect on protein structure/function; Has not been previously published as pathogenic or benign to our knowledge